The following is an entry in ClinVar:

NM_000535.7(PMS2):c.784G>T (p.Ala262Ser)

Gene: PMS2 (PMS1 homolog 2, mismatch repair system component; minus strand). Cytogenetic location: 7p22.1.
Variant type: single nucleotide variant.
Coding change: c.784G>T on transcript NM_000535.7 (MANE Select); coding-DNA position 784, G replaced by T.
Protein change: p.Ala262Ser; replaces alanine 262 with serine.
Molecular consequence: missense variant. On other transcripts: 5 prime UTR variant (2), non-coding transcript variant (1).
Genome position (GRCh38, 1-based): chr7:5,997,345, C>A on the plus strand (G>T on the coding strand, the complement: PMS2 is on the minus strand). VCF-style: chr7-5997345-C-A. GRCh37 (hg19) VCF-style: chr7-6036976-C-A.
Other names: c.379G>T, p.Ala127Ser (NM_001322003.2, NM_001322004.2, NM_001322005.2 and 2 more transcripts); c.784G>T, p.Ala262Ser (NM_001322006.2, NM_001322014.2); c.466G>T, p.Ala156Ser (NM_001322007.2, NM_001322008.2); c.-150G>T (NM_001322011.2, NM_001322012.2); c.211G>T, p.Ala71Ser (NM_001322013.2); c.475G>T, p.Ala159Ser (NM_001322015.2); short protein forms A262S, A159S, A156S, A71S, A127S.
Identifiers: ClinVar variation 480354 (VCV000480354.16), dbSNP rs779625900, ClinGen allele CA366743639.

ClinVar aggregate classification (germline): Uncertain significance. Review status: criteria provided, multiple submitters, no conflicts (2 of 4 stars). 2 submissions from 2 submitters: Uncertain significance (2). Last evaluated 2024-06-30.

Conditions:
Hereditary cancer-predisposing syndrome. Also called: Hereditary Cancer Syndrome; Neoplastic Syndromes, Hereditary; Tumor predisposition; Hereditary neoplastic syndrome. Identifiers: Orphanet 140162, MedGen C0027672, MeSH D009386, MONDO:0015356.
Hereditary nonpolyposis colorectal neoplasms. Identifiers: MedGen C0009405, MeSH D003123.

gnomAD v4.1: 6 of 1,566,542 alleles (0.00038%); highest among the groups gnomAD compares: African/African-American, 0.0014%; no homozygotes.

Submissions (2):

Ambry Genetics
Classification: Uncertain significance for Hereditary cancer-predisposing syndrome. Last evaluated: 2024-06-30. Review status: criteria provided, single submitter. Criteria: Ambry Variant Classification Scheme 2023. Collection method: clinical testing. Allele origin: germline.
Comment: The p.A262S variant (also known as c.784G>T), located in coding exon 7 of the PMS2 gene, results from a G to T substitution at nucleotide position 784. The alanine at codon 262 is replaced by serine, an amino acid with similar properties. This amino acid position is not well conserved in available vertebrate species. In addition, this alteration is predicted to be tolerated by in silico analysis. Since supporting evidence is limited at this time, the clinical significance of this alteration remains unclear.

Labcorp Genetics (formerly Invitae), Labcorp
Classification: Uncertain significance for Hereditary nonpolyposis colorectal neoplasms. Last evaluated: 2023-11-17. Review status: criteria provided, single submitter. Criteria: Invitae Variant Classification Sherloc (09022015). Collection method: clinical testing. Allele origin: germline.
Comment: This sequence change replaces alanine, which is neutral and non-polar, with serine, which is neutral and polar, at codon 262 of the PMS2 protein (p.Ala262Ser). This variant is not present in population databases (gnomAD no frequency). This variant has not been reported in the literature in individuals affected with PMS2-related conditions. ClinVar contains an entry for this variant (Variation ID: 480354). Advanced modeling of protein sequence and biophysical properties (such as structural, functional, and spatial information, amino acid conservation, physicochemical variation, residue mobility, and thermodynamic stability) performed at Invitae indicates that this missense variant is not expected to disrupt PMS2 protein function with a negative predictive value of 80%. In summary, the available evidence is currently insufficient to determine the role of this variant in disease. Therefore, it has been classified as a Variant of Uncertain Significance.